The following is an entry in ClinVar:

NM_001369268.1(ACAN):c.1097G>T (p.Gly366Val)

Gene: ACAN (aggrecan; plus strand). Cytogenetic location: 15q26.1.
Variant type: single nucleotide variant.
Coding change: c.1097G>T on transcript NM_001369268.1 (MANE Select); coding-DNA position 1097, G replaced by T.
Protein change: p.Gly366Val; replaces glycine 366 with valine.
Molecular consequence: missense variant.
Genome position (GRCh38, 1-based): chr15:88,845,550, G>T. VCF-style: chr15-88845550-G-T. GRCh37 (hg19) VCF-style: chr15-89388781-G-T.
Other names: c.1097G>T, p.Gly366Val (NM_001135.4, NM_013227.4); short protein forms G366V.
Identifiers: ClinVar variation 1502583 (VCV001502583.6), dbSNP rs755579927, ClinGen allele CA393709343.
Genomic context (GRCh38, chr15:88,845,550, plus strand): 5'-TTGCCCCTCCCCTAGGTGAAGACTTTGTGGACATCCCAGAAAACTTCTTTGGAGTGGGGG[G>T]TGAGGAGGACATCACCGTCCAGACAGTGACCTGGCCTGACATGGAGCTGCCACTGCCTCG-3'
Protein context (NP_001356197.1, residues 356-376): DIPENFFGVG[Gly366Val]EEDITVQTVT

ClinVar aggregate classification (germline): Uncertain significance (1 of 4 stars; one submission).

gnomAD v4.1: 5 of 1,613,488 alleles (0.00031%); highest among the groups gnomAD compares: Non-Finnish European, 0.00034%; no homozygotes.

Submission:

Labcorp Genetics (formerly Invitae), Labcorp
Classification: Uncertain significance. Last evaluated: 2025-09-02. Review status: criteria provided, single submitter. Criteria: Invitae Variant Classification Sherloc (09022015). Collection method: clinical testing. Allele origin: germline.
Comment: This sequence change replaces glycine, which is neutral and non-polar, with valine, which is neutral and non-polar, at codon 366 of the ACAN protein (p.Gly366Val). This variant is not present in population databases (gnomAD no frequency). This variant has not been reported in the literature in individuals affected with ACAN-related conditions. ClinVar contains an entry for this variant (Variation ID: 1502583). Invitae Evidence Modeling of protein sequence and biophysical properties (such as structural, functional, and spatial information, amino acid conservation, physicochemical variation, residue mobility, and thermodynamic stability) indicates that this missense variant is not expected to disrupt ACAN protein function with a negative predictive value of 80%. In summary, the available evidence is currently insufficient to determine the role of this variant in disease. Therefore, it has been classified as a Variant of Uncertain Significance.